The following is an entry in ClinVar:

NM_006648.4(WNK2):c.2891C>T (p.Pro964Leu)

Gene: WNK2 (WNK lysine deficient protein kinase 2; plus strand). Cytogenetic location: 9q22.31.
Variant type: single nucleotide variant.
Coding change: c.2891C>T on transcript NM_006648.4 (MANE Select); coding-DNA position 2891, C replaced by T.
Protein change: p.Pro964Leu; replaces proline 964 with leucine.
Molecular consequence: missense variant.
Genome position (GRCh38, 1-based): chr9:93,259,439, C>T. VCF-style: chr9-93259439-C-T. GRCh37 (hg19) VCF-style: chr9-96021721-C-T.
Other names: c.2891C>T, p.Pro964Leu (NM_001282394.3); short protein forms P964L.
Identifiers: ClinVar variation 3816587 (VCV003816587.1).

ClinVar aggregate classification (germline): Uncertain significance (1 of 4 stars; one submission).

gnomAD v4.1: 31 of 1,527,660 alleles (0.002%); highest among the groups gnomAD compares: Non-Finnish European, 0.0026%; no homozygotes.

Submission:

Ambry Genetics
Classification: Uncertain significance. Last evaluated: 2024-12-22. Review status: criteria provided, single submitter. Criteria: Ambry Variant Classification Scheme 2023. Collection method: clinical testing. Allele origin: germline.
Comment: The p.P964L variant (also known as c.2891C>T), located in coding exon 11 of the WNK2 gene, results from a C to T substitution at nucleotide position 2891. The proline at codon 964 is replaced by leucine, an amino acid with similar properties. This amino acid position is conserved. In addition, this alteration is predicted to be tolerated by in silico analysis. Based on the available evidence, the clinical significance of this variant remains unclear.